The following is an entry in ClinVar:

NM_001303052.2(MYT1L):c.1483G>A (p.Asp495Asn)

Gene: MYT1L (myelin transcription factor 1 like; minus strand). Cytogenetic location: 2p25.3.
Variant type: single nucleotide variant.
Coding change: c.1483G>A on transcript NM_001303052.2 (MANE Select); coding-DNA position 1483, G replaced by A.
Protein change: p.Asp495Asn; replaces aspartic acid 495 with asparagine.
Molecular consequence: missense variant. On other transcripts: intron variant (6).
Genome position (GRCh38, 1-based): chr2:1,922,286, C>T on the plus strand (G>A on the coding strand, the complement: MYT1L is on the minus strand). VCF-style: chr2-1922286-C-T. GRCh37 (hg19) VCF-style: chr2-1926058-C-T.
Other names: c.1483G>A, p.Asp495Asn (NM_001329844.2, NM_001329845.1, NM_001329851.3); c.1477+6G>A (NM_015025.4, NM_001329847.2, NM_001329848.1 and 3 more transcripts); short protein forms D495N.
Identifiers: ClinVar variation 3364014 (VCV003364014.1).
Genomic context (GRCh38, chr2:1,922,286, plus strand): 5'-AACATCCTTTACCCTAGCTCATGTTTTCATGAGGCAACTTACGTTAGGTAGAAATATTAC[C>T]TTTACCATAGTATGGCTTTTTGACATGGCTGTCACTGGATTTAGGCTTTCTGTCCTCCCC-3'
Protein context (NP_001289981.1, residues 485-505): SHVKKPYYGK[Asp495Asn]PSRTEKKESK

ClinVar aggregate classification (germline): Uncertain significance (1 of 4 stars; one submission).

Submission:

GeneDx
Classification: Uncertain significance. Last evaluated: 2023-11-09. Review status: criteria provided, single submitter. Criteria: GeneDx Variant Classification Process June 2021. Collection method: clinical testing. Allele origin: germline. Affected: yes.
Comment: Not observed at significant frequency in large population cohorts (gnomAD); Has not been previously published as pathogenic or benign to our knowledge; In silico analysis is inconclusive as to whether the variant alters gene splicing. In the absence of RNA/functional studies, the actual effect of this sequence change is unknown.